The following is an entry in ClinVar:

ClinVar aggregate classification (germline): Uncertain significance (1 of 4 stars; one submission).

gnomAD v4.1: 3 of 1,614,074 alleles (0.00019%); highest among the groups gnomAD compares: Non-Finnish European, 0.00025%; no homozygotes.

Submission:

Ambry Genetics
Classification: Uncertain significance. Last evaluated: 2024-08-19. Review status: criteria provided, single submitter. Criteria: Ambry Variant Classification Scheme 2023. Collection method: clinical testing. Allele origin: germline.
Comment: The p.S1689N variant (also known as c.5066G>A), located in coding exon 44 of the KIF1B gene, results from a G to A substitution at nucleotide position 5066. The serine at codon 1689 is replaced by asparagine, an amino acid with highly similar properties. This amino acid position is conserved. In addition, this alteration is predicted to be tolerated by in silico analysis. Based on the available evidence, the clinical significance of this variant remains unclear.

NM_001365951.3(KIF1B):c.5204G>A (p.Ser1735Asn)

Gene: KIF1B (kinesin family member 1B; plus strand). Cytogenetic location: 1p36.22.
Variant type: single nucleotide variant.
Coding change: c.5204G>A on transcript NM_001365951.3 (MANE Select); coding-DNA position 5204, G replaced by A.
Protein change: p.Ser1735Asn; replaces serine 1735 with asparagine.
Molecular consequence: missense variant.
Genome position (GRCh38, 1-based): chr1:10,374,961, G>A. VCF-style: chr1-10374961-G-A. GRCh37 (hg19) VCF-style: chr1-10435019-G-A.
Other names: c.5204G>A, p.Ser1735Asn (NM_001365952.1); c.5066G>A, p.Ser1689Asn (NM_015074.3); short protein forms S1689N, S1735N.
Identifiers: ClinVar variation 3533980 (VCV003533980.1).